The following is an entry in ClinVar:

ClinVar aggregate classification (germline): Uncertain significance (1 of 4 stars; one submission).

Submission:

Labcorp Genetics (formerly Invitae), Labcorp
Classification: Uncertain significance. Last evaluated: 2024-07-20. Review status: criteria provided, single submitter. Criteria: Invitae Variant Classification Sherloc (09022015). Collection method: clinical testing. Allele origin: germline.
Comment: This sequence change replaces isoleucine, which is neutral and non-polar, with valine, which is neutral and non-polar, at codon 247 of the CREB3L3 protein (p.Ile247Val). This variant is not present in population databases (gnomAD no frequency). This variant has not been reported in the literature in individuals affected with CREB3L3-related conditions. Advanced modeling of protein sequence and biophysical properties (such as structural, functional, and spatial information, amino acid conservation, physicochemical variation, residue mobility, and thermodynamic stability) performed at Invitae indicates that this missense variant is not expected to disrupt CREB3L3 protein function with a negative predictive value of 80%. In summary, the available evidence is currently insufficient to determine the role of this variant in disease. Therefore, it has been classified as a Variant of Uncertain Significance.

NM_032607.3(CREB3L3):c.739A>G (p.Ile247Val)

Gene: CREB3L3 (cAMP responsive element binding protein 3 like 3; plus strand). Cytogenetic location: 19p13.3.
Variant type: single nucleotide variant.
Coding change: c.739A>G on transcript NM_032607.3 (MANE Select); coding-DNA position 739, A replaced by G.
Protein change: p.Ile247Val; replaces isoleucine 247 with valine.
Molecular consequence: missense variant. On other transcripts: intron variant (1).
Genome position (GRCh38, 1-based): chr19:4,168,375, A>G. VCF-style: chr19-4168375-A-G. GRCh37 (hg19) VCF-style: chr19-4168372-A-G.
Other names: c.736A>G, p.Ile246Val (NM_001271995.2); c.733A>G, p.Ile245Val (NM_001271996.2); c.715-1765A>G (NM_001271997.2); short protein forms I246V, I247V, I245V.
Identifiers: ClinVar variation 3660011 (VCV003660011.2).